The following continues an entry in ClinVar:

NM_000135.4(FANCA):c.65G>A (p.Trp22Ter)

ClinVar aggregate classification (germline): Pathogenic/Likely pathogenic. Pathogenic (16); Likely pathogenic (1).

Submissions 14 to 18 of 18:

Genetic Services Laboratory, University of Chicago
Classification: Pathogenic. Last evaluated: 2020-07-14. Review status: criteria provided, single submitter. Criteria: ACMG Guidelines, 2015. Collection method: clinical testing. Allele origin: germline. Affected: yes.
Comment: DNA sequence analysis of the FANCA gene demonstrated a base pair change, c.65G>A, which results in the creation of a premature stop codon at amino acid residue 22, p.Trp22*. This sequence change is predicted to result in an abnormal transcript, which may be degraded, or may lead to the production of a truncated FANCA protein with potentially abnormal function. The p.Trp22* change has been described in several individuals with a clinical diagnosis of Fanconi anemia (PMIDs: 9371798, 29098742); both in the homozygous (PMID: 31558676) and compound heterozgyous state (PMIDs: 31558676, 9711872, 19367192). This sequence change is present in the gnomAD database with a frequency of 0.17% in the Ashkenzi Jewish sub-population (dbSNP rs761341952). These collective evidences indicate that this sequence change is pathogenic, however functional studies have not been performed to prove this conclusively.

Myriad Genetics, Inc.
Classification: Pathogenic for Fanconi anemia complementation group A. Last evaluated: 2020-01-03. Review status: criteria provided, single submitter. Criteria: Myriad Women's Health Autosomal Recessive and X-Linked Classification Criteria (2019). Collection method: clinical testing. Allele origin: unknown.
Comment: NM_000135.2(FANCA):c.65G>A(W22*) is classified as pathogenic in the context of Fanconi anemia. Sources cited for classification include the following: PMID 15643609, 19367192 and 29098742. Classification of NM_000135.2(FANCA):c.65G>A(W22*) is based on the following criteria: The variant causes a premature termination codon that is expected to be targeted by nonsense-mediated mRNA decay and is reported in individuals with the relevant phenotype. Please note: this variant was assessed in the context of healthy population screening.

Molecular Diagnostics Laboratory, M Health Fairview: University of Minnesota
Classification: Pathogenic for Fanconi anemia complementation group A. Last evaluated: 2017-06-30. Review status: criteria provided, single submitter. Criteria: ACMG Guidelines, 2015. Collection method: clinical testing. Allele origin: germline. Affected: yes. Observed: 1 variant allele.

Illumina Laboratory Services, Illumina
Classification: Likely pathogenic for Fanconi anemia complementation group A. Last evaluated: 2017-04-28. Review status: criteria provided, single submitter. Criteria: ICSL Variant Classification Criteria 09 May 2019. Collection method: clinical testing. Allele origin: germline.
Comment: The FANCA c.65G>A (p.Trp22Ter) variant is a stop-gained variant that is predicted to result in premature termination of the protein. The p.Trp22Ter variant has been reported in at least three studies in which it is found in a total of five individuals with Fanconi anemia, including in two in a compound heterozygous state with a frameshift variant and in three in a heterozygous state without a second identified variant (Levran et al. 1997; Castella et al. 2011; De Rocco et al. 2014). The p.Trp22Ter variant was absent from four controls and is reported at a frequency of 0.00071 in the European (non-Finnish) population of the Exome Aggregation Consortium but this is based on two alleles only in a region of poor sequence coverage. Based on the evidence and the potential impact of stop-gained variants, the p.Trp22Ter variant is classified as likely pathogenic for Fanconi anemia. This variant was observed by ICSL as part of a predisposition screen in an ostensibly healthy population.

Leiden Open Variation Database
Classification: Pathogenic for Fanconi anemia complementation group A. Last evaluated: 2020-02-28. Review status: no assertion criteria provided. Collection method: curation. Allele origin: germline. Affected: yes. Not counted in ClinVar's aggregate classification.
Comment: Curator: Arleen D. Auerbach. Submitter to LOVD: Arleen D. Auerbach.

Literature cited by the submitters: PubMed 29098742 (cited by 5 submitters); PubMed 19367192 (cited by 5 submitters); PubMed 15643609 (cited by 4 submitters); PubMed 15516848 (cited by Dasa and Molecular Diagnostics Laboratory, M Health Fairview: University of Minnesota); PubMed 31558676 (cited by 3 submitters); PubMed 9711872 (cited by Labcorp Genetics (formerly Invitae), Labcorp); PubMed 28717661 (cited by Labcorp Genetics (formerly Invitae), Labcorp); PubMed 24584348 (cited by Quest Diagnostics Nichols Institute San Juan Capistrano and Illumina Laboratory Services, Illumina); PubMed 21273304 (cited by Quest Diagnostics Nichols Institute San Juan Capistrano and Illumina Laboratory Services, Illumina); PubMed 9371798 (cited by 5 submitters).